The following is an entry in ClinVar:

ClinVar aggregate classification (germline): Pathogenic/Likely pathogenic. Review status: criteria provided, multiple submitters, no conflicts (2 of 4 stars). 4 submissions from 4 submitters: Pathogenic (3); Likely pathogenic (1). Last evaluated 2025-01-19.

Conditions:
Hereditary nonpolyposis colorectal neoplasms. Identifiers: MedGen C0009405, MeSH D003123.
Hereditary cancer-predisposing syndrome. Also called: Tumor predisposition; Hereditary Cancer Syndrome; Hereditary neoplastic syndrome; Neoplastic Syndromes, Hereditary. Identifiers: Orphanet 140162, MedGen C0027672, MeSH D009386, MONDO:0015356.
Lynch syndrome 5 (LYNCH5). Also called: Hereditary non-polyposis colorectal cancer, type 5; Colorectal cancer, hereditary nonpolyposis, type 5. Identifiers: Orphanet 144, MedGen C1833477, MONDO:0013710, OMIM 614350. Disease mechanism: loss of function.
Endometrial carcinoma. Also called: Endometrial carcinoma, somatic. Identifiers: MedGen C0476089, MONDO:0002447, OMIM 608089, HP:0012114.

Submissions (4):

Labcorp Genetics (formerly Invitae), Labcorp
Classification: Pathogenic for Hereditary nonpolyposis colorectal neoplasms. Last evaluated: 2025-01-19. Review status: criteria provided, single submitter. Criteria: Invitae Variant Classification Sherloc (09022015). Collection method: clinical testing. Allele origin: germline.
Comment: This sequence change creates a premature translational stop signal (p.Gly566*) in the MSH6 gene. It is expected to result in an absent or disrupted protein product. Loss-of-function variants in MSH6 are known to be pathogenic (PMID: 18269114, 24362816). This variant is not present in population databases (gnomAD no frequency). This variant has not been reported in the literature in individuals affected with MSH6-related conditions. ClinVar contains an entry for this variant (Variation ID: 485889). For these reasons, this variant has been classified as Pathogenic.

Myriad Genetics, Inc.
Classification: Pathogenic for Lynch syndrome 5. Last evaluated: 2023-08-15. Review status: criteria provided, single submitter. Criteria: Myriad Autosomal Dominant, Autosomal Recessive and X-Linked Classification Criteria (2023). Collection method: clinical testing. Allele origin: unknown.
Comment: This variant is considered pathogenic. This variant creates a termination codon and is predicted to result in premature protein truncation.

Baylor Genetics
Classification: Likely pathogenic for Endometrial carcinoma. Last evaluated: 2023-04-15. Review status: criteria provided, single submitter. Criteria: ACMG Guidelines, 2015. Collection method: clinical testing. Allele origin: unknown.

Ambry Genetics
Classification: Pathogenic for Hereditary cancer-predisposing syndrome. Last evaluated: 2017-08-07. Review status: criteria provided, single submitter. Criteria: Ambry Variant Classification Scheme 2023. Collection method: clinical testing. Allele origin: germline.
Comment: The p.G566* pathogenic mutation (also known as c.1696G>T), located in coding exon 4 of the MSH6 gene, results from a G to T substitution at nucleotide position 1696. This changes the amino acid from a glycine to a stop codon within coding exon 4. This alteration is expected to result in loss of function by premature protein truncation or nonsense-mediated mRNA decay. As such, this alteration is interpreted as a disease-causing mutation.

Literature cited by the submitters: PubMed 18269114 (cited by Labcorp Genetics (formerly Invitae), Labcorp); PubMed 24362816 (cited by Labcorp Genetics (formerly Invitae), Labcorp).

NM_000179.3(MSH6):c.1696G>T (p.Gly566Ter)

Gene: MSH6 (mutS homolog 6; plus strand). Cytogenetic location: 2p16.3.
Variant type: single nucleotide variant.
Coding change: c.1696G>T on transcript NM_000179.3 (MANE Select); coding-DNA position 1696, G replaced by T.
Protein change: p.Gly566Ter; replaces glycine 566 with a stop codon.
Molecular consequence: nonsense.
Genome position (GRCh38, 1-based): chr2:47,799,679, G>T. VCF-style: chr2-47799679-G-T. GRCh37 (hg19) VCF-style: chr2-48026818-G-T.
Other names: c.1306G>T, p.Gly436Ter (NM_001281492.2); c.790G>T, p.Gly264Ter (NM_001281493.2, NM_001281494.2); short protein forms G566*, G264*, G436*.
Identifiers: ClinVar variation 485889 (VCV000485889.9), dbSNP rs63749973, ClinGen allele CA346747546.